The following is an entry in ClinVar:

NM_001429.4(EP300):c.4065C>T (p.Tyr1355=)

Gene: EP300 (EP300 lysine acetyltransferase; plus strand). Cytogenetic location: 22q13.2.
Variant type: single nucleotide variant.
Coding change: c.4065C>T on transcript NM_001429.4 (MANE Select); coding-DNA position 4065, C replaced by T.
Protein change: p.Tyr1355=; no amino-acid change (tyrosine 1355 retained).
Molecular consequence: synonymous variant.
Genome position (GRCh38, 1-based): chr22:41,168,760, C>T. VCF-style: chr22-41168760-C-T. GRCh37 (hg19) VCF-style: chr22-41564764-C-T.
Other names: c.3987C>T, p.Tyr1329= (NM_001362843.2); c.4065C>T (NM_001429.3).
Identifiers: ClinVar variation 2741364 (VCV002741364.4), dbSNP rs886043598, ClinGen allele CA324553252.
Genomic context (GRCh38, chr22:41,168,760, plus strand): 5'-CCCACCATCTCAATTGTATAGGTTTGTGGACAGTGGAGAGATGGCAGAATCCTTTCCATA[C>T]CGAACCAAAGCCCTCTTTGCCTTTGAAGAAATTGATGGTGTTGACCTGTGCTTCTTTGGC-3'
Protein context (NP_001420.2, residues 1345-1365): DSGEMAESFP[Tyr1355=]RTKALFAFEE

ClinVar aggregate classification (germline): Likely benign. Review status: criteria provided, multiple submitters, no conflicts (2 of 4 stars). 2 submissions from 2 submitters: Likely benign (2). Last evaluated 2026-06-27.

Conditions:
EP300-related disorder. Also called: EP300-related condition; EP300-related disorders.
Rubinstein-Taybi syndrome due to EP300 haploinsufficiency. Also called: EP300-Related Rubinstein-Taybi Syndrome; RUBINSTEIN-TAYBI SYNDROME 2. Identifiers: Orphanet 353284, Orphanet 783, MedGen C3150941, MONDO:0013364, OMIM 613684.

Allele frequency attached by ClinVar (database versions not stated): gnomAD exomes below 0.00001; TOPMed 0.00001; gnomAD 0.00002.
gnomAD v4.1: 6 of 1,614,046 alleles (0.00037%); highest among the groups gnomAD compares: African/African-American, 0.004%; no homozygotes.

Submissions (2):

PreventionGenetics, part of Exact Sciences
Classification: Likely benign for EP300-related condition. Last evaluated: 2026-06-27. Review status: criteria provided, single submitter. Criteria: ACMG Guidelines, 2015. Collection method: clinical testing. Allele origin: germline.
Comment: This variant is classified as likely benign based on ACMG/AMP sequence variant interpretation guidelines (Richards et al. 2015 PMID: 25741868, with internal and published modifications).

Labcorp Genetics (formerly Invitae), Labcorp
Classification: Likely benign for Rubinstein-Taybi syndrome due to EP300 haploinsufficiency. Last evaluated: 2022-11-05. Review status: criteria provided, single submitter. Criteria: Invitae Variant Classification Sherloc (09022015). Collection method: clinical testing. Allele origin: germline.